The following is an entry in ClinVar:

NM_001330360.2(POLA1):c.4402T>C (p.Ser1468Pro)

Gene: POLA1 (DNA polymerase alpha 1, catalytic subunit; plus strand). Cytogenetic location: Xp21.3.
Variant type: single nucleotide variant.
Coding change: c.4402T>C on transcript NM_001330360.2 (MANE Select); coding-DNA position 4402, T replaced by C.
Protein change: p.Ser1468Pro; replaces serine 1468 with proline.
Molecular consequence: missense variant. On other transcripts: non-coding transcript variant (2).
Genome position (GRCh38, 1-based): chrX:24,995,945, T>C. VCF-style: chrX-24995945-T-C. GRCh37 (hg19) VCF-style: chrX-25014062-T-C.
Other names: c.4327T>C, p.Ser1443Pro (NM_001378303.1); c.4465T>C, p.Ser1489Pro (NM_001440806.1); c.4384T>C, p.Ser1462Pro (NM_016937.4); short protein forms S1468P, S1489P, S1443P, S1462P.
Identifiers: ClinVar variation 4711412 (VCV004711412.1).

ClinVar aggregate classification (germline): Uncertain significance (1 of 4 stars; one submission).

gnomAD v4.1: 1 of 1,208,198 alleles (0.000083%); highest among the groups gnomAD compares: Non-Finnish European, 0.00011%; no homozygotes.

Submission:

Labcorp Genetics (formerly Invitae), Labcorp
Classification: Uncertain significance. Last evaluated: 2025-06-03. Review status: criteria provided, single submitter. Criteria: Invitae Variant Classification Sherloc (09022015). Collection method: clinical testing. Allele origin: germline.
Comment: This sequence change replaces serine, which is neutral and polar, with proline, which is neutral and non-polar, at codon 1462 of the POLA1 protein (p.Ser1462Pro). This variant is not present in population databases (gnomAD no frequency). This variant has not been reported in the literature in individuals affected with POLA1-related conditions. An algorithm developed to predict the effect of missense changes on protein structure and function outputs the following: PolyPhen-2: "Benign". The proline amino acid residue is found in multiple mammalian species, which suggests that this missense change does not adversely affect protein function. In summary, the available evidence is currently insufficient to determine the role of this variant in disease. Therefore, it has been classified as a Variant of Uncertain Significance.